The following is an entry in ClinVar:

NM_032043.3(BRIP1):c.2265T>C (p.Ala755=)

Gene: BRIP1 (BRCA1 interacting DNA helicase 1; minus strand). Cytogenetic location: 17q23.2.
Variant type: single nucleotide variant.
Coding change: c.2265T>C on transcript NM_032043.3 (MANE Select); coding-DNA position 2265, T replaced by C.
Protein change: p.Ala755=; no amino-acid change (alanine 755 retained).
Molecular consequence: synonymous variant.
Genome position (GRCh38, 1-based): chr17:61,743,127, A>G on the plus strand (T>C on the coding strand, the complement: BRIP1 is on the minus strand). VCF-style: chr17-61743127-A-G. GRCh37 (hg19) VCF-style: chr17-59820488-A-G.
Identifiers: ClinVar variation 3378633 (VCV003378633.2).

ClinVar aggregate classification (germline): Benign/Likely benign. Review status: criteria provided, multiple submitters, no conflicts (2 of 4 stars). 2 submissions from 2 submitters: Benign (1); Likely benign (1). Last evaluated 2025-07-14.

Conditions:
Hereditary cancer-predisposing syndrome. Also called: Neoplastic Syndromes, Hereditary; Tumor predisposition; Hereditary Cancer Syndrome; Hereditary neoplastic syndrome. Identifiers: Orphanet 140162, MedGen C0027672, MeSH D009386, MONDO:0015356.
Familial cancer of breast. Also called: hereditary breast carcinoma; Hereditary breast cancer; BREAST CANCER, FAMILIAL. Identifiers: Orphanet 227535, MedGen C0346153, MONDO:0016419, OMIM 114480. Disease mechanism: loss of function.

Submissions (2):

Ambry Genetics
Classification: Likely benign for Hereditary cancer-predisposing syndrome. Last evaluated: 2025-07-14. Review status: criteria provided, single submitter. Criteria: Ambry Variant Classification Scheme 2023. Collection method: clinical testing. Allele origin: germline.

Myriad Genetics, Inc.
Classification: Benign for Familial cancer of breast. Last evaluated: 2024-09-04. Review status: criteria provided, single submitter. Criteria: Myriad Autosomal Dominant, Autosomal Recessive and X-Linked Classification Criteria (2023). Collection method: clinical testing. Allele origin: unknown.
Comment: This variant is considered benign. This variant is a silent/synonymous amino acid change and it is not expected to impact splicing.